The following is an entry in ClinVar:

NM_001164508.2(NEB):c.20165A>T (p.Tyr6722Phe)

Gene: NEB (nebulin; minus strand). Cytogenetic location: 2q23.3.
Variant type: single nucleotide variant.
Coding change: c.20165A>T on transcript NM_001164508.2 (MANE Select); coding-DNA position 20165, A replaced by T.
Protein change: p.Tyr6722Phe; replaces tyrosine 6722 with phenylalanine.
Molecular consequence: missense variant.
Genome position (GRCh38, 1-based): chr2:151,547,731, T>A on the plus strand (A>T on the coding strand, the complement: NEB is on the minus strand). VCF-style: chr2-151547731-T-A. GRCh37 (hg19) VCF-style: chr2-152404245-T-A.
Other names: c.20165A>T, p.Tyr6722Phe (NM_001164507.2, NM_001271208.2); c.15062A>T, p.Tyr5021Phe (NM_004543.5); short protein forms Y5021F, Y6722F.
Identifiers: ClinVar variation 1503701 (VCV001503701.8), dbSNP rs2153618365, ClinGen allele CA348784216.

ClinVar aggregate classification (germline): Uncertain significance (1 of 4 stars; one submission).

Conditions:
Nemaline myopathy 2 (NEM2). Also called: Nemaline myopathy 2, autosomal recessive. Identifiers: MedGen C1850569, MONDO:0009725, OMIM 256030.

Submission:

Labcorp Genetics (formerly Invitae), Labcorp
Classification: Uncertain significance for Nemaline myopathy 2. Last evaluated: 2024-02-24. Review status: criteria provided, single submitter. Criteria: Invitae Variant Classification Sherloc (09022015). Collection method: clinical testing. Allele origin: germline.
Comment: This sequence change replaces tyrosine, which is neutral and polar, with phenylalanine, which is neutral and non-polar, at codon 6722 of the NEB protein (p.Tyr6722Phe). This variant is not present in population databases (gnomAD no frequency). This variant has not been reported in the literature in individuals affected with NEB-related conditions. ClinVar contains an entry for this variant (Variation ID: 1503701). Experimental studies and prediction algorithms are not available or were not evaluated, and the functional significance of this variant is currently unknown. In summary, the available evidence is currently insufficient to determine the role of this variant in disease. Therefore, it has been classified as a Variant of Uncertain Significance.